The following is an entry in ClinVar:

ClinVar aggregate classification (germline): Uncertain significance (1 of 4 stars; one submission).

Conditions:
Aortic aneurysm, familial thoracic 4 (AAT4). Also called: AORTIC ANEURYSM/AORTIC DISSECTION AND PATENT DUCTUS ARTERIOSUS. Identifiers: MedGen C1851504, MONDO:0007568, OMIM 132900.

Submission:

Labcorp Genetics (formerly Invitae), Labcorp
Classification: Uncertain significance for Aortic aneurysm, familial thoracic 4. Last evaluated: 2025-11-05. Review status: criteria provided, single submitter. Criteria: Invitae Variant Classification Sherloc (09022015). Collection method: clinical testing. Allele origin: germline.
Comment: This sequence change replaces threonine, which is neutral and polar, with alanine, which is neutral and non-polar, at codon 116 of the MYH11 protein (p.Thr116Ala). This variant is not present in population databases (gnomAD no frequency). This variant has not been reported in the literature in individuals affected with MYH11-related conditions. An algorithm developed to predict the effect of missense changes on protein structure and function (PolyPhen-2) suggests that this variant is likely to be disruptive. In summary, the available evidence is currently insufficient to determine the role of this variant in disease. Therefore, it has been classified as a Variant of Uncertain Significance.

NM_002474.3(MYH11):c.346A>G (p.Thr116Ala)

Gene: MYH11 (myosin heavy chain 11; minus strand). Cytogenetic location: 16p13.11.
Variant type: single nucleotide variant.
Coding change: c.346A>G on transcript NM_002474.3 (MANE Select); coding-DNA position 346, A replaced by G.
Protein change: p.Thr116Ala; replaces threonine 116 with alanine.
Molecular consequence: missense variant.
Genome position (GRCh38, 1-based): chr16:15,823,411, T>C on the plus strand (A>G on the coding strand, the complement: MYH11 is on the minus strand). VCF-style: chr16-15823411-T-C. GRCh37 (hg19) VCF-style: chr16-15917268-T-C.
Other names: c.346A>G, p.Thr116Ala (NM_001040113.2, NM_001040114.2, NM_022844.3); short protein forms T116A.
Identifiers: ClinVar variation 4760850 (VCV004760850.1).